The following is an entry in ClinVar:

NM_001673.5(ASNS):c.488-23A>G

Genes: ASNS (asparagine synthetase (glutamine-hydrolyzing); minus strand), CZ1P-ASNS (CZ1P-ASNS readthrough; minus strand). Cytogenetic location: 7q21.3.
Variant type: single nucleotide variant.
Coding change: c.488-23A>G on transcript NM_001673.5 (MANE Select); 23 bases into the intron before coding-DNA position 488, A replaced by G.
Molecular consequence: intron variant.
Genome position (GRCh38, 1-based): chr7:97,859,421, T>C on the plus strand (A>G on the coding strand, the complement: ASNS is on the minus strand). VCF-style: chr7-97859421-T-C. GRCh37 (hg19) VCF-style: chr7-97488733-T-C.
Other names: c.488-23A>G (NM_001352496.2, NM_183356.4, NM_133436.3); c.239-23A>G (NM_001178076.2, NM_001178077.1); c.425-23A>G (NM_001178075.2).
Identifiers: ClinVar variation 1185230 (VCV001185230.8), dbSNP rs7797354, ClinGen allele CA4354762.

ClinVar aggregate classification (germline): Benign. Review status: criteria provided, multiple submitters, no conflicts (2 of 4 stars). 4 submissions from 4 submitters: Benign (4). Last evaluated 2024-07-15.

Conditions:
Congenital microcephaly - severe encephalopathy - progressive cerebral atrophy syndrome. Also called: ASNS DEFICIENCY; Asparagine synthetase deficiency. Identifiers: Orphanet 391376, MedGen C3809971, MONDO:0014258, OMIM 615574.

Allele frequency attached by ClinVar (database versions not stated): TOPMed 0.35255; ESP Exome Variant Server 0.35366; gnomAD 0.36227 and 0.36522; 1000 Genomes Project 30x 0.36836; 1000 Genomes Project 0.37181; ExAC 0.39262; gnomAD exomes 0.39388.
gnomAD v4.1: 596,766 of 1,568,808 alleles (38%); highest among the groups gnomAD compares: East Asian, 56%; 115,237 homozygotes.

Submissions (4):

Unidad de Genómica Garrahan, Hospital de Pediatría Garrahan
Classification: Benign. Last evaluated: 2024-07-15. Review status: criteria provided, single submitter. Criteria: ACMG Guidelines, 2015. Collection method: clinical testing. Allele origin: germline. Affected: no. Observed: 51 variant alleles.
Comment: This variant is classified as Benign based on local population frequency. This variant was detected in 55% of patients studied in a panel designed for Epileptic and Developmental Encephalopathy and Progressive Myoclonus Epilepsy. Number of patients: 51. Only high quality variants are reported.

Genome-Nilou Lab
Classification: Benign for Congenital microcephaly - severe encephalopathy - progressive cerebral atrophy syndrome. Last evaluated: 2021-07-10. Review status: criteria provided, single submitter. Criteria: ACMG Guidelines, 2015. Collection method: clinical testing. Allele origin: germline. Affected: no.

GeneDx
Classification: Benign. Last evaluated: 2018-07-15. Review status: criteria provided, single submitter. Criteria: GeneDx Variant Classification Process June 2021. Collection method: clinical testing. Allele origin: germline. Affected: yes.

Breakthrough Genomics
Classification: Benign. Review status: criteria provided, single submitter. Criteria: ACMG Guidelines, 2015. Collection method: not provided. Allele origin: germline. Inheritance: Autosomal recessive inheritance. Affected: yes.